The following is an entry in ClinVar:

ClinVar aggregate classification (germline): Uncertain significance (1 of 4 stars; one submission).

gnomAD v4.1: 5 of 1,614,056 alleles (0.00031%); highest among the groups gnomAD compares: Non-Finnish European, 0.00034%; no homozygotes.

Submission:

Labcorp Genetics (formerly Invitae), Labcorp
Classification: Uncertain significance. Last evaluated: 2022-07-19. Review status: criteria provided, single submitter. Criteria: Invitae Variant Classification Sherloc (09022015). Collection method: clinical testing. Allele origin: germline.
Comment: In summary, the available evidence is currently insufficient to determine the role of this variant in disease. Therefore, it has been classified as a Variant of Uncertain Significance. Advanced modeling of protein sequence and biophysical properties (such as structural, functional, and spatial information, amino acid conservation, physicochemical variation, residue mobility, and thermodynamic stability) performed at Invitae indicates that this missense variant is not expected to disrupt CNGA3 protein function. ClinVar contains an entry for this variant (Variation ID: 957667). This variant has not been reported in the literature in individuals affected with CNGA3-related conditions. This variant is not present in population databases (gnomAD no frequency). This sequence change replaces histidine, which is basic and polar, with glutamine, which is neutral and polar, at codon 87 of the CNGA3 protein (p.His87Gln).

NM_001298.3(CNGA3):c.261T>G (p.His87Gln)

Gene: CNGA3 (cyclic nucleotide gated channel subunit alpha 3; plus strand). Cytogenetic location: 2q11.2.
Variant type: single nucleotide variant.
Coding change: c.261T>G on transcript NM_001298.3 (MANE Select); coding-DNA position 261, T replaced by G.
Protein change: p.His87Gln; replaces histidine 87 with glutamine.
Molecular consequence: missense variant.
Genome position (GRCh38, 1-based): chr2:98,380,220, T>G. VCF-style: chr2-98380220-T-G. GRCh37 (hg19) VCF-style: chr2-98996683-T-G.
Other names: c.261T>G, p.His87Gln (NM_001079878.2); short protein forms H87Q.
Identifiers: ClinVar variation 957667 (VCV000957667.7), dbSNP rs774890755, ClinGen allele CA347830979.